The following is an entry in ClinVar:

ClinVar aggregate classification (germline): Likely benign (1 of 4 stars; one submission).

Conditions:
Congenital erythropoietic porphyria. Also called: GUNTHER DISEASE; UROS DEFICIENCY; Cutaneous porphyria; Congenital porphyria; Günther disease; Uroporphyrinogen III synthase, deficiency of. Identifiers: Orphanet 79277, MedGen C5886774, MONDO:0009902, OMIM 263700.

Allele frequency attached by ClinVar (database versions not stated): gnomAD 0.01115 and 0.01190; 1000 Genomes Project 0.01258; TOPMed 0.01300; 1000 Genomes Project 30x 0.01327.

Submission:

Illumina Laboratory Services, Illumina
Classification: Likely benign for Congenital erythropoietic porphyria. Last evaluated: 2017-04-27. Review status: criteria provided, single submitter. Criteria: ICSL Variant Classification Criteria 13 December 2019. Collection method: clinical testing. Allele origin: germline.
Comment: This variant was observed as part of a predisposition screen in an ostensibly healthy population. A literature search was performed for the gene, cDNA change, and amino acid change (where applicable). No publications were found based on this search. Allele frequency data from public databases allowed determination this variant is unlikely to cause disease. Therefore, this variant is classified as likely benign.

NM_000375.3(UROS):c.-31G>T

Gene: UROS (uroporphyrinogen III synthase; minus strand). Cytogenetic location: 10q26.2.
Variant type: single nucleotide variant.
Coding change: c.-31G>T on transcript NM_000375.3 (MANE Select); 31 bases upstream of the start codon, G replaced by T.
Molecular consequence: 5 prime UTR variant. On other transcripts: non-coding transcript variant (4).
Genome position (GRCh38, 1-based): chr10:125,823,033, C>A on the plus strand (G>T on the coding strand, the complement: UROS is on the minus strand). VCF-style: chr10-125823033-C-A. GRCh37 (hg19) VCF-style: chr10-127511602-C-A.
Other names: c.-31G>T (NM_001324036.2, NM_001324037.2, NM_001324038.2 and 1 more transcripts).
Identifiers: ClinVar variation 299196 (VCV000299196.5), dbSNP rs73381212, ClinGen allele CA10631190.